The following is an entry in ClinVar:

NM_004655.4(AXIN2):c.1468G>A (p.Ala490Thr)

Gene: AXIN2 (axin 2; minus strand). Cytogenetic location: 17q24.1.
Variant type: single nucleotide variant.
Coding change: c.1468G>A on transcript NM_004655.4 (MANE Select); coding-DNA position 1468, G replaced by A.
Protein change: p.Ala490Thr; replaces alanine 490 with threonine.
Molecular consequence: missense variant.
Genome position (GRCh38, 1-based): chr17:65,537,568, C>T on the plus strand (G>A on the coding strand, the complement: AXIN2 is on the minus strand). VCF-style: chr17-65537568-C-T. GRCh37 (hg19) VCF-style: chr17-63533686-C-T.
Other names: c.1468G>A, p.Ala490Thr (NM_001363813.1); c.1468G>A (LRG_296t1); short protein forms A490T.
Identifiers: ClinVar variation 533151 (VCV000533151.17), dbSNP rs1486551074, ClinGen allele CA400677441.

ClinVar aggregate classification (germline): Conflicting classifications of pathogenicity. Review status: criteria provided, conflicting classifications (1 of 4 stars). 3 submissions from 3 submitters: Uncertain significance (2); Likely benign (1). Last evaluated 2026-01-20.

Conditions:
Oligodontia-cancer predisposition syndrome. Also called: TOOTH AGENESIS-COLORECTAL CANCER SYNDROME. Identifiers: Orphanet 300576, MedGen C1837750, MONDO:0012075, OMIM 608615. Disease mechanism: loss of function.
Hereditary cancer-predisposing syndrome. Also called: Hereditary neoplastic syndrome; Neoplastic Syndromes, Hereditary; Tumor predisposition; Hereditary Cancer Syndrome. Identifiers: Orphanet 140162, MedGen C0027672, MeSH D009386, MONDO:0015356.

Allele frequency attached by ClinVar (database versions not stated): gnomAD exomes below 0.00001; gnomAD 0.00002 and 0.00004; TOPMed 0.00002.
gnomAD v4.1: 7 of 1,610,382 alleles (0.00043%); highest among the groups gnomAD compares: African/African-American, 0.0067%; no homozygotes.

Submissions (3):

Labcorp Genetics (formerly Invitae), Labcorp
Classification: Uncertain significance for Oligodontia-cancer predisposition syndrome. Last evaluated: 2026-01-20. Review status: criteria provided, single submitter. Criteria: Invitae Variant Classification Sherloc (09022015). Collection method: clinical testing. Allele origin: germline.
Comment: This sequence change replaces alanine, which is neutral and non-polar, with threonine, which is neutral and polar, at codon 490 of the AXIN2 protein (p.Ala490Thr). This variant is present in population databases (no rsID available, gnomAD 0.009%). This variant has not been reported in the literature in individuals affected with AXIN2-related conditions. ClinVar contains an entry for this variant (Variation ID: 533151). Invitae Evidence Modeling of protein sequence and biophysical properties (such as structural, functional, and spatial information, amino acid conservation, physicochemical variation, residue mobility, and thermodynamic stability) indicates that this missense variant is not expected to disrupt AXIN2 protein function with a negative predictive value of 80%. In summary, the available evidence is currently insufficient to determine the role of this variant in disease. Therefore, it has been classified as a Variant of Uncertain Significance.

GeneDx
Classification: Uncertain significance. Last evaluated: 2024-06-12. Review status: criteria provided, single submitter. Criteria: GeneDx Variant Classification Process June 2021. Collection method: clinical testing. Allele origin: germline. Affected: yes.
Comment: Not observed at significant frequency in large population cohorts (gnomAD); In silico analysis indicates that this missense variant does not alter protein structure/function; Has not been previously published as pathogenic or benign to our knowledge

Ambry Genetics
Classification: Likely benign for Hereditary cancer-predisposing syndrome. Last evaluated: 2023-12-27. Review status: criteria provided, single submitter. Criteria: Ambry Variant Classification Scheme 2023. Collection method: clinical testing. Allele origin: germline.